The following is an entry in ClinVar:

NM_000238.4(KCNH2):c.1418C>T (p.Thr473Ile)

Gene: KCNH2 (potassium voltage-gated channel subfamily H member 2; minus strand). Cytogenetic location: 7q36.1.
Variant type: single nucleotide variant.
Coding change: c.1418C>T on transcript NM_000238.4 (MANE Select); coding-DNA position 1418, C replaced by T.
Protein change: p.Thr473Ile; replaces threonine 473 with isoleucine.
Molecular consequence: missense variant.
Genome position (GRCh38, 1-based): chr7:150,952,564, G>A on the plus strand (C>T on the coding strand, the complement: KCNH2 is on the minus strand). VCF-style: chr7-150952564-G-A. GRCh37 (hg19) VCF-style: chr7-150649652-G-A.
Other names: c.398C>T, p.Thr133Ile (NM_001204798.2, NM_172057.3); c.1130C>T, p.Thr377Ile (NM_001406753.1, NM_001406756.1); c.1241C>T, p.Thr414Ile (NM_001406755.1); c.1118C>T, p.Thr373Ile (NM_001406757.1); c.1418C>T, p.Thr473Ile (NM_172056.3); short protein forms T133I, T473I, T373I, T414I, T377I.
Identifiers: ClinVar variation 811073 (VCV000811073.8), dbSNP rs199472905, ClinGen allele CA369859794.

ClinVar aggregate classification (germline): Likely pathogenic (1 of 4 stars; one submission).

Submission:

ARUP Laboratories, Molecular Genetics and Genomics, ARUP Laboratories
Classification: Likely pathogenic. Last evaluated: 2018-07-24. Review status: criteria provided, single submitter. Criteria: ARUP Molecular Germline Variant Investigation Process. Collection method: clinical testing. Allele origin: germline.
Comment: The KCNH2 c.1418C>T; p.Thr473Ile variant, to our knowledge, is not reported in the medical literature or gene specific databases. Other variants at this codon (p.Thr473Pro, p.Thr473Asn), as well as an adjacent p.Thr474Ile variant, have been reported in individuals with Long QT syndrome and are considered pathogenic (Itoh 2010, Kapplinger 2009, Liu 2013, Tanaka 1997). Electrophysiological characterization of the p.Thr473Pro and p.Thr474Ile variants reveal dominant negative effects on channel activity and altered gating properties, respectively (Liu 2013, Zhou 1998), suggesting that the S2-S3 cytoplasmic loop containing Thr473 is functionally important. The c.1418C>T; p.Thr473Ile variant is absent from general population databases (1000 Genomes Project, Exome Variant Server, and Genome Aggregation Database), indicating it is not a common polymorphism. The threonine at codon 473 is highly conserved and computational analyses (SIFT, PolyPhen-2) predict that this variant is deleterious. Based on available information, this variant is considered to be likely pathogenic. References: Itoh H et al. Long QT syndrome with compound mutations is associated with a more severe phenotype: a Japanese multicenter study. Heart Rhythm. 2010 Oct;7(10):1411-8. Kapplinger JD et al. Spectrum and prevalence of mutations from the first 2,500 consecutive unrelated patients referred for the FAMILION long QT syndrome genetic test. Heart Rhythm. 2009 Sep;6(9):1297-303. Liu L et al. A novel mutation in the transmembrane nonpore region of the KCNH2 gene causes severe clinical manifestations of long QT syndrome. Heart Rhythm. 2013 Jan;10(1):61-7. Tanaka T et al. Four novel KVLQT1 and four novel HERG mutations in familial long-QT syndrome. Circulation. 1997 Feb 4;95(3):565-7. Zhou Z et al. HERG channel dysfunction in human long QT syndrome. Intracellular transport and functional defects. J Biol Chem. 1998 Aug 14;273(33):21061-6.